The following is an entry in ClinVar:

ClinVar aggregate classification (germline): Uncertain significance (1 of 4 stars; one submission).

Conditions:
Autosomal dominant nonsyndromic hearing loss 65. Also called: Deafness, autosomal dominant 65; TBC1D24-Related Autosomal Dominant Nonsyndromic Hearing Loss (DFNA). Identifiers: Orphanet 90635, MedGen C3892048, MONDO:0014470, OMIM 616044.
Developmental and epileptic encephalopathy, 1 (DEE1). Also called: INFANTILE SPASM SYNDROME, X-LINKED 1; X-linked infantile spasms; West's syndrome; Tonic spasms with clustering, arrest of psychomotor development and hypsarrhythmia on EEG; X-Linked Infantile Spasm Syndrome; OHTAHARA SYNDROME, X-LINKED. Identifiers: MedGen C3463992, MONDO:0010632, OMIM 308350. Disease mechanism: loss of function.

Allele frequency attached by ClinVar (database versions not stated): gnomAD exomes below 0.00001.
gnomAD v4.1: 1 of 1,612,330 alleles (0.000062%); highest among the groups gnomAD compares: Admixed American, 0.0017%; no homozygotes.

Submission:

Labcorp Genetics (formerly Invitae), Labcorp
Classification: Uncertain significance for Developmental and epileptic encephalopathy, 1; Autosomal dominant nonsyndromic hearing loss 65. Last evaluated: 2023-11-24. Review status: criteria provided, single submitter. Criteria: Invitae Variant Classification Sherloc (09022015). Collection method: clinical testing. Allele origin: germline.
Comment: This sequence change replaces proline, which is neutral and non-polar, with serine, which is neutral and polar, at codon 164 of the TBC1D24 protein (p.Pro164Ser). This variant is present in population databases (no rsID available, gnomAD 0.003%). This variant has not been reported in the literature in individuals affected with TBC1D24-related conditions. Advanced modeling of protein sequence and biophysical properties (such as structural, functional, and spatial information, amino acid conservation, physicochemical variation, residue mobility, and thermodynamic stability) has been performed at Invitae for this missense variant, however the output from this modeling did not meet the statistical confidence thresholds required to predict the impact of this variant on TBC1D24 protein function. In summary, the available evidence is currently insufficient to determine the role of this variant in disease. Therefore, it has been classified as a Variant of Uncertain Significance.

NM_001199107.2(TBC1D24):c.490C>T (p.Pro164Ser)

Gene: TBC1D24 (TBC1 domain family member 24; plus strand). Cytogenetic location: 16p13.3.
Variant type: single nucleotide variant.
Coding change: c.490C>T on transcript NM_001199107.2 (MANE Select); coding-DNA position 490, C replaced by T.
Protein change: p.Pro164Ser; replaces proline 164 with serine.
Molecular consequence: missense variant.
Genome position (GRCh38, 1-based): chr16:2,496,638, C>T. VCF-style: chr16-2496638-C-T. GRCh37 (hg19) VCF-style: chr16-2546639-C-T.
Other names: c.490C>T, p.Pro164Ser (NM_020705.3); short protein forms P164S.
Identifiers: ClinVar variation 2934380 (VCV002934380.3), dbSNP rs1257589902, ClinGen allele CA394376233.